The following is an entry in ClinVar:

NM_001354712.2(THRB):c.175A>G (p.Ile59Val)

Gene: THRB (thyroid hormone receptor beta; minus strand). Cytogenetic location: 3p24.2.
Variant type: single nucleotide variant.
Coding change: c.175A>G on transcript NM_001354712.2 (MANE Select); coding-DNA position 175, A replaced by G.
Protein change: p.Ile59Val; replaces isoleucine 59 with valine.
Molecular consequence: missense variant.
Genome position (GRCh38, 1-based): chr3:24,190,182, T>C on the plus strand (A>G on the coding strand, the complement: THRB is on the minus strand). VCF-style: chr3-24190182-T-C. GRCh37 (hg19) VCF-style: chr3-24231673-T-C.
Other names: c.175A>G, p.Ile59Val (NM_000461.5, NM_001128176.3, NM_001128177.2 and 12 more transcripts); c.82A>G, p.Ile28Val (NM_001354714.2, NM_001354715.2); c.175A>G (NM_001252634.1); short protein forms I28V, I59V.
Identifiers: ClinVar variation 723156 (VCV000723156.8), dbSNP rs141172732, ClinGen allele CA2287421.
Genomic context (GRCh38, chr3:24,190,182, plus strand): 5'-TCTGGTCGTTCACATCATCATGGTCCAGATGGAATATTGAGCTAGTCCAAGTGGTCTGGA[T>C]GAGATGTGGCGACGACTGTTCATTTTTCAACGTGCTGCGCCTCTCTGAATGGCTCTTCCT-3'
Protein context (NP_001341641.1, residues 49-69): LKNEQSSPHL[Ile59Val]QTTWTSSIFH

ClinVar aggregate classification (germline): Benign/Likely benign. Review status: criteria provided, multiple submitters, no conflicts (2 of 4 stars). 5 submissions from 5 submitters: Benign (2); Likely benign (2). 1 of the submissions does not count toward it. Last evaluated 2024-10-08.

Conditions:
THRB-related disorder. Also called: THRB-related condition.
Thyroid hormone resistance, generalized, autosomal dominant (GRTHD). Also called: HYPERTHYROXINEMIA, FAMILIAL EUTHYROID, SECONDARY TO PITUITARY AND PERIPHERAL RESISTANCE TO THYROID HORMONES. Identifiers: MedGen C2937288, MONDO:0008569, OMIM 188570.
Thyroid hormone resistance, generalized, autosomal recessive (GRTHR). Also called: REFETOFF SYNDROME. Identifiers: MedGen C3489796, MONDO:0010131, OMIM 274300.
Selective pituitary resistance to thyroid hormone. Also called: HYPERTHYROIDISM, FAMILIAL, DUE TO INAPPROPRIATE THYROTROPIN SECRETION. Identifiers: MedGen C1840364, MONDO:0007784, OMIM 145650.

Allele frequency attached by ClinVar (database versions not stated): gnomAD 0.00003 and 0.00010; TOPMed 0.00005; ESP Exome Variant Server 0.00031; gnomAD exomes 0.00057; 1000 Genomes Project 30x 0.00062; ExAC 0.00072; 1000 Genomes Project 0.00080.
gnomAD v4.1: 403 of 1,609,754 alleles (0.025%); highest among the groups gnomAD compares: South Asian, 0.39%; 7 homozygotes.

Submissions (5):

Blueprint Genetics
Classification: Likely benign. Last evaluated: 2024-10-08. Review status: criteria provided, single submitter. Criteria: ACMG Guidelines, 2015. Collection method: clinical testing. Allele origin: germline.

Fulgent Genetics
Classification: Likely benign for Selective pituitary resistance to thyroid hormone; Thyroid hormone resistance, generalized, autosomal dominant; Thyroid hormone resistance, generalized, autosomal recessive. Last evaluated: 2022-02-09. Review status: criteria provided, single submitter. Criteria: ACMG Guidelines, 2015. Collection method: clinical testing. Allele origin: unknown.

Labcorp Genetics (formerly Invitae), Labcorp
Classification: Benign. Last evaluated: 2018-06-11. Review status: criteria provided, single submitter. Criteria: Invitae Variant Classification Sherloc (09022015). Collection method: clinical testing. Allele origin: germline.

Breakthrough Genomics
Classification: Benign. Review status: criteria provided, single submitter. Criteria: ACMG Guidelines, 2015. Collection method: not provided. Allele origin: germline. Inheritance: Autosomal recessive inheritance. Affected: yes.

PreventionGenetics, part of Exact Sciences
Classification: Likely benign for THRB-related condition. Last evaluated: 2021-04-19. Review status: no assertion criteria provided. Collection method: clinical testing. Allele origin: germline. Not counted in ClinVar's aggregate classification.
Comment: This variant is classified as likely benign based on ACMG/AMP sequence variant interpretation guidelines (Richards et al. 2015 PMID: 25741868, with internal and published modifications).